The following is an entry in ClinVar:

ClinVar aggregate classification (germline): Likely benign (1 of 4 stars; one submission).

Submission:

CeGaT Center for Human Genetics Tuebingen
Classification: Likely benign. Last evaluated: 2026-02-01. Review status: criteria provided, single submitter. Criteria: CeGaT Center For Human Genetics Tuebingen Variant Classification Criteria Version 2. Collection method: clinical testing. Allele origin: germline. Affected: yes. Observed: 1 variant allele.
Comment: NRROS: BP4, BP7

NM_198565.3(NRROS):c.1602G>A (p.Gly534=)

Gene: NRROS (negative regulator of reactive oxygen species; plus strand). Cytogenetic location: 3q29.
Variant type: single nucleotide variant.
Coding change: c.1602G>A on transcript NM_198565.3 (MANE Select); coding-DNA position 1602, G replaced by A.
Protein change: p.Gly534=; no amino-acid change (glycine 534 retained).
Molecular consequence: synonymous variant.
Genome position (GRCh38, 1-based): chr3:196,661,245, G>A. VCF-style: chr3-196661245-G-A. GRCh37 (hg19) VCF-style: chr3-196388116-G-A.
Identifiers: ClinVar variation 4822007 (VCV004822007.4).